The following is an entry in ClinVar:

ClinVar aggregate classification (germline): Uncertain significance (1 of 4 stars; one submission).

Allele frequency attached by ClinVar (database versions not stated): ExAC 0.00001; gnomAD 0.00001; gnomAD exomes 0.00001; TOPMed 0.00001.
gnomAD v4.1: 11 of 1,613,586 alleles (0.00068%); highest among the groups gnomAD compares: Non-Finnish European, 0.00093%; no homozygotes.

Submission:

Labcorp Genetics (formerly Invitae), Labcorp
Classification: Uncertain significance. Last evaluated: 2022-10-27. Review status: criteria provided, single submitter. Criteria: Invitae Variant Classification Sherloc (09022015). Collection method: clinical testing. Allele origin: germline.
Comment: In summary, the available evidence is currently insufficient to determine the role of this variant in disease. Therefore, it has been classified as a Variant of Uncertain Significance. Advanced modeling of protein sequence and biophysical properties (such as structural, functional, and spatial information, amino acid conservation, physicochemical variation, residue mobility, and thermodynamic stability) has been performed at Invitae for this missense variant, however the output from this modeling did not meet the statistical confidence thresholds required to predict the impact of this variant on ARID1B protein function. This variant has not been reported in the literature in individuals affected with ARID1B-related conditions. This variant is present in population databases (rs758120346, gnomAD 0.002%). This sequence change replaces glutamine, which is neutral and polar, with lysine, which is basic and polar, at codon 2176 of the ARID1B protein (p.Gln2176Lys).

NM_001374828.1(ARID1B):c.6895C>A (p.Gln2299Lys)

Gene: ARID1B (AT-rich interaction domain 1B; plus strand). Cytogenetic location: 6q25.3.
Variant type: single nucleotide variant.
Coding change: c.6895C>A on transcript NM_001374828.1 (MANE Select); coding-DNA position 6895, C replaced by A.
Protein change: p.Gln2299Lys; replaces glutamine 2299 with lysine.
Molecular consequence: missense variant.
Genome position (GRCh38, 1-based): chr6:157,207,667, C>A. VCF-style: chr6-157207667-C-A. GRCh37 (hg19) VCF-style: chr6-157528801-C-A.
Other names: c.6646C>A, p.Gln2216Lys (NM_001346813.1); c.4396C>A, p.Gln1466Lys (NM_001363725.2); c.6775C>A, p.Gln2259Lys (NM_001371656.1, NM_001374820.1); c.6736C>A, p.Gln2246Lys (NM_017519.3); c.6526C>A, p.Gln2176Lys (NM_020732.3); c.6313C>A, p.Gln2105Lys (NM_175863.2); short protein forms Q1466K, Q2105K, Q2176K, Q2216K, Q2246K, Q2259K, Q2299K.
Identifiers: ClinVar variation 1722237 (VCV001722237.5), dbSNP rs758120346, ClinGen allele CA4068071.